The following is an entry in ClinVar:

NM_000368.5(TSC1):c.1870A>T (p.Thr624Ser)

Gene: TSC1 (TSC complex subunit 1; minus strand). Cytogenetic location: 9q34.13.
Variant type: single nucleotide variant.
Coding change: c.1870A>T on transcript NM_000368.5 (MANE Select); coding-DNA position 1870, A replaced by T.
Protein change: p.Thr624Ser; replaces threonine 624 with serine.
Molecular consequence: missense variant. On other transcripts: non-coding transcript variant (5).
Genome position (GRCh38, 1-based): chr9:132,905,708, T>A on the plus strand (A>T on the coding strand, the complement: TSC1 is on the minus strand). VCF-style: chr9-132905708-T-A. GRCh37 (hg19) VCF-style: chr9-135781095-T-A.
Other names: c.1867A>T, p.Thr623Ser (NM_001162426.2, NM_001406597.1, NM_001406598.1 and 6 more transcripts); c.1717A>T, p.Thr573Ser (NM_001162427.2, NM_001406610.1); c.1507A>T, p.Thr503Ser (NM_001362177.2, NM_001406614.1, NM_001406615.1 and 5 more transcripts); c.1870A>T, p.Thr624Ser (NM_001406592.1, NM_001406593.1, NM_001406594.1 and 7 more transcripts); c.1714A>T, p.Thr572Ser (NM_001406611.1, NM_001406612.1, NM_001406613.1); c.916A>T, p.Thr306Ser (NM_001406628.1, NM_001406627.1); c.817A>T, p.Thr273Ser (NM_001406629.1, NM_001406630.1); c.1504A>T, p.Thr502Ser (NM_001406620.1, NM_001406621.1, NM_001406622.1 and 2 more transcripts); and 1 more; short protein forms T306S, T623S, T624S, T502S, T503S, T573S, T307S, T273S.
Identifiers: ClinVar variation 4825795 (VCV004825795.1).

ClinVar aggregate classification (germline): Uncertain significance (1 of 4 stars; one submission).

Conditions:
Hereditary cancer-predisposing syndrome. Also called: Neoplastic Syndromes, Hereditary; Tumor predisposition; Hereditary Cancer Syndrome; Hereditary neoplastic syndrome. Identifiers: Orphanet 140162, MedGen C0027672, MeSH D009386, MONDO:0015356.

Submission:

Ambry Genetics
Classification: Uncertain significance for Hereditary cancer-predisposing syndrome. Last evaluated: 2026-02-23. Review status: criteria provided, single submitter. Criteria: Ambry Variant Classification Scheme 2023. Collection method: clinical testing. Allele origin: germline.
Comment: The p.T624S variant (also known as c.1870A>T), located in coding exon 13 of the TSC1 gene, results from an A to T substitution at nucleotide position 1870. The threonine at codon 624 is replaced by serine, an amino acid with similar properties. This amino acid position is conserved. In addition, the in silico prediction for this alteration is inconclusive. Based on the available evidence, the clinical significance of this variant remains unclear.